The following is an entry in ClinVar:

ClinVar aggregate classification (germline): Uncertain significance (1 of 4 stars; one submission).

Conditions:
Cardiovascular phenotype. Identifiers: MedGen CN230736.

Submission:

Ambry Genetics
Classification: Uncertain significance for Cardiovascular phenotype. Last evaluated: 2022-07-25. Review status: criteria provided, single submitter. Criteria: Ambry Variant Classification Scheme 2023. Collection method: clinical testing. Allele origin: germline.
Comment: The p.D1035N variant (also known as c.3103G>A), located in coding exon 1 of the ZNF469 gene, results from a G to A substitution at nucleotide position 3103. The aspartic acid at codon 1035 is replaced by asparagine, an amino acid with highly similar properties. This amino acid position is conserved. In addition, this alteration is predicted to be tolerated by in silico analysis. Since supporting evidence is limited at this time, the clinical significance of this alteration remains unclear.

NM_001367624.2(ZNF469):c.3103G>A (p.Asp1035Asn)

Gene: ZNF469 (zinc finger protein 469; plus strand). Cytogenetic location: 16q24.2.
Variant type: single nucleotide variant.
Coding change: c.3103G>A on transcript NM_001367624.2 (MANE Select); coding-DNA position 3103, G replaced by A.
Protein change: p.Asp1035Asn; replaces aspartic acid 1035 with asparagine.
Molecular consequence: missense variant.
Genome position (GRCh38, 1-based): chr16:88,430,573, G>A. VCF-style: chr16-88430573-G-A. GRCh37 (hg19) VCF-style: chr16-88496981-G-A.
Other names: NM_001127464.1:c.3103G>A; short protein forms D1035N.
Identifiers: ClinVar variation 1727665 (VCV001727665.2), dbSNP rs941459001, ClinGen allele CA397077441.